The following is an entry in ClinVar:

ClinVar aggregate classification (germline): Likely benign (0 of 4 stars; one submission).

Conditions:
MKKS-related disorder. Also called: MKKS-related condition; MKKS-related disorders.

gnomAD v4.1: 7 of 1,614,126 alleles (0.00043%); highest among the groups gnomAD compares: Non-Finnish European, 0.00059%; no homozygotes.

Submission:

PreventionGenetics, part of Exact Sciences
Classification: Likely benign for MKKS-related condition. Last evaluated: 2023-12-29. Review status: no assertion criteria provided. Collection method: clinical testing. Allele origin: germline.
Comment: This variant is classified as likely benign based on ACMG/AMP sequence variant interpretation guidelines (Richards et al. 2015 PMID: 25741868, with internal and published modifications).

NM_170784.3(MKKS):c.1107A>G (p.Thr369=)

Gene: MKKS (MKKS centrosomal shuttling protein; minus strand). Cytogenetic location: 20p12.2.
Variant type: single nucleotide variant.
Coding change: c.1107A>G on transcript NM_170784.3 (MANE Select); coding-DNA position 1107, A replaced by G.
Protein change: p.Thr369=; no amino-acid change (threonine 369 retained).
Molecular consequence: synonymous variant. On other transcripts: non-coding transcript variant (1).
Genome position (GRCh38, 1-based): chr20:10,408,682, T>C on the plus strand (A>G on the coding strand, the complement: MKKS is on the minus strand). VCF-style: chr20-10408682-T-C. GRCh37 (hg19) VCF-style: chr20-10389330-T-C.
Other names: c.1107A>G, p.Thr369= (NM_018848.3).
Identifiers: ClinVar variation 3357153 (VCV003357153.1).